The following is an entry in ClinVar:

ClinVar aggregate classification (germline): Uncertain significance (1 of 4 stars; one submission).

Allele frequency attached by ClinVar (database versions not stated): ExAC 0.00002; gnomAD exomes 0.00001; gnomAD 0.00001; TOPMed 0.00001 and 0.00002.
gnomAD v4.1: 9 of 1,613,124 alleles (0.00056%); highest among the groups gnomAD compares: East Asian, 0.02%; no homozygotes.

Submission:

Laboratory for Molecular Medicine, Mass General Brigham Personalized Medicine
Classification: Uncertain significance. Last evaluated: 2015-03-27. Review status: criteria provided, single submitter. Criteria: LMM Criteria. Collection method: clinical testing. Allele origin: germline. Observed: 1 variant allele.
Comment: The p.Pro17440Leu variant in TTN has not been previously reported in individuals with cardiomyopathy, but has been identified in 3/8402 East Asian chromosomes b y the Exome Aggregation Consortium (ExAC; dbSNP rs199839492). Computational prediction tools and conservation analysis do not pr ovide strong support for or against an impact to the protein. In summary, the cl inical significance of the p.Pro17440Leu variant is uncertain.

NM_001267550.2(TTN):c.60023C>T (p.Pro20008Leu)

Genes: TTN (titin; minus strand), TTN-AS1 (TTN antisense RNA 1; plus strand), LOC126806424 (CDK7 strongly-dependent group 2 enhancer GRCh37_chr2:179456337-179457536; plus strand). Cytogenetic location: 2q31.2.
Variant type: single nucleotide variant.
Coding change: c.60023C>T on transcript NM_001267550.2 (MANE Select); coding-DNA position 60023, C replaced by T.
Protein change: p.Pro20008Leu; replaces proline 20008 with leucine.
Molecular consequence: missense variant.
Genome position (GRCh38, 1-based): chr2:178,591,796, G>A on the plus strand (C>T on the coding strand, the complement: TTN is on the minus strand). VCF-style: chr2-178591796-G-A. GRCh37 (hg19) VCF-style: chr2-179456523-G-A.
Other names: c.52319C>T, p.Pro17440Leu (NM_133378.4); c.55100C>T, p.Pro18367Leu (NM_001256850.1); c.32828C>T, p.Pro10943Leu (NM_003319.4); c.33203C>T, p.Pro11068Leu (NM_133432.3); c.33404C>T, p.Pro11135Leu (NM_133437.4); short protein forms P17440L, P20008L, P18367L, P10943L, P11135L, P11068L.
Identifiers: ClinVar variation 229479 (VCV000229479.5), dbSNP rs199839492, ClinGen allele CA1992563.